The following is an entry in ClinVar:

NM_012342.3(BAMBI):c.622G>A (p.Val208Ile)

Gene: BAMBI (BMP and activin membrane bound inhibitor; plus strand). Cytogenetic location: 10p12.1.
Variant type: single nucleotide variant.
Coding change: c.622G>A on transcript NM_012342.3 (MANE Select); coding-DNA position 622, G replaced by A.
Protein change: p.Val208Ile; replaces valine 208 with isoleucine.
Molecular consequence: missense variant.
Genome position (GRCh38, 1-based): chr10:28,682,240, G>A. VCF-style: chr10-28682240-G-A. GRCh37 (hg19) VCF-style: chr10-28971169-G-A.
Other names: short protein forms V208I.
Identifiers: ClinVar variation 718255 (VCV000718255.28), dbSNP rs72809669, ClinGen allele CA5455362.

ClinVar aggregate classification (germline): Benign/Likely benign. Review status: criteria provided, multiple submitters, no conflicts (2 of 4 stars). 3 submissions from 3 submitters: Benign (2); Likely benign (1). Last evaluated 2022-10-01.

Allele frequency attached by ClinVar (database versions not stated): 1000 Genomes Project 0.00379; 1000 Genomes Project 30x 0.00422; TOPMed 0.00577; ESP Exome Variant Server 0.00623; ExAC 0.00771; gnomAD 0.00838.
gnomAD v4.1: 12,597 of 1,614,160 alleles (0.78%); highest among the groups gnomAD compares: Non-Finnish European, 0.72%; 108 homozygotes.

Submissions (3):

CeGaT Center for Human Genetics Tuebingen
Classification: Likely benign. Last evaluated: 2022-10-01. Review status: criteria provided, single submitter. Criteria: CeGaT Center For Human Genetics Tuebingen Variant Classification Criteria Version 2. Collection method: clinical testing. Allele origin: germline. Affected: yes. Observed: 1 variant allele.
Comment: BAMBI: BP4

Labcorp Genetics (formerly Invitae), Labcorp
Classification: Benign. Last evaluated: 2018-06-26. Review status: criteria provided, single submitter. Criteria: Invitae Variant Classification Sherloc (09022015). Collection method: clinical testing. Allele origin: germline.

Breakthrough Genomics
Classification: Benign. Review status: criteria provided, single submitter. Criteria: ACMG Guidelines, 2015. Collection method: not provided. Allele origin: germline. Inheritance: Unknown mechanism. Affected: yes.